The following is an entry in ClinVar:

ClinVar aggregate classification (germline): Pathogenic. Review status: reviewed by expert panel (3 of 4 stars). 3 submissions from 3 submitters: Pathogenic (1). 2 of the submissions do not count toward it. Last evaluated 2016-09-08.

Conditions:
Hereditary breast ovarian cancer syndrome. Also called: Hereditary breast and ovarian cancer syndrome (HBOC); Hereditary breast and ovarian cancer syndrome; Hereditary breast and ovarian cancer; Hereditary breast and/or ovarian cancer syndrome; Breast and ovarian cancer; BRCA1- and BRCA2-Associated Hereditary Breast and Ovarian Cancer. Identifiers: Orphanet 145, MedGen C0677776, MeSH D061325, MONDO:0003582. Disease mechanism: loss of function.
Breast-ovarian cancer, familial, susceptibility to, 1 (BROVCA1). Also called: OVARIAN CANCER, SUSCEPTIBILITY TO; BRCA1 Hereditary Breast and Ovarian Cancer. Identifiers: Orphanet 145, MedGen C2676676, MONDO:0011450, OMIM 604370. Disease mechanism: loss of function.

Submissions (3):

Evidence-based Network for the Interpretation of Germline Mutant Alleles (ENIGMA)
Classification: Pathogenic for Breast-ovarian cancer, familial, susceptibility to, 1. Last evaluated: 2016-09-08. Review status: reviewed by expert panel. Criteria: ENIGMA BRCA1/2 Classification Criteria (2015). Collection method: curation. Allele origin: germline.
Comment: Variant allele predicted to encode a truncated non-functional protein.

Labcorp Genetics (formerly Invitae), Labcorp
Classification: Pathogenic for Hereditary breast ovarian cancer syndrome. Last evaluated: 2017-05-21. Review status: criteria provided, single submitter. Criteria: Invitae Variant Classification Sherloc (09022015). Collection method: clinical testing. Allele origin: germline. Not counted in ClinVar's aggregate classification.
Comment: For these reasons, this variant has been classified as Pathogenic. Loss-of-function variants in BRCA1 are known to be pathogenic (PMID: 20104584). This variant has been reported in an individual affected with ovarian cancer (PMID: 12060539). This variant is also known as 3444delAAAT in the literature. ClinVar contains an entry for this variant (Variation ID: 54837). This variant is not present in population databases (ExAC no frequency). This sequence change creates a premature translational stop signal (p.Ile1108Lysfs*8) in the BRCA1 gene. It is expected to result in an absent or disrupted protein product.

Breast Cancer Information Core (BIC) (BRCA1)
Classification: Pathogenic for Breast-ovarian cancer, familial 1. Last evaluated: 1999-06-22. Review status: no assertion criteria provided. Collection method: clinical testing. Allele origin: germline. Affected: yes. Observed: 1 variant allele. Not counted in ClinVar's aggregate classification.

Literature cited by the submitters: PubMed 20104584 (cited by Labcorp Genetics (formerly Invitae), Labcorp); PubMed 12060539 (cited by Labcorp Genetics (formerly Invitae), Labcorp).

NM_007294.4(BRCA1):c.3323_3326del (p.Ile1108fs)

Genes: BRCA1 (BRCA1 DNA repair associated; minus strand), LOC126862571 (BRD4-independent group 4 enhancer GRCh37_chr17:41243136-41244335; plus strand). Cytogenetic location: 17q21.31.
Variant type: Deletion.
Coding change: c.3323_3326del on transcript NM_007294.4 (MANE Select); coding-DNA positions 3323 to 3326, 4 bases deleted (TAAA; older notation c.3323_3326delTAAA).
Protein change: p.Ile1108fs; shifts the reading frame from isoleucine 1108.
Molecular consequence: frameshift variant. On other transcripts: intron variant (137).
Genome position (GRCh38, 1-based): chr17:43,092,205-43,092,208, TTTA deleted on the plus strand (TAAA on the coding strand, the reverse complement: BRCA1 is on the minus strand); deleting any 4 consecutive bases within chr17:43,092,205-43,092,211 gives the same sequence; the c. name uses the placement nearest the transcript's 3' end. VCF-style (leftmost placement, unchanged base first): chr17-43092204-TTTTA-T. GRCh37 (hg19) VCF-style: chr17-41244221-TTTTA-T.
Other names: 3439del4; c.3323_3326delTAAA (NM_007294.3); c.671-1176_671-1173del (NM_001408420.1, NM_001408419.1, NM_001408422.1 and 2 more transcripts); c.788-1176_788-1173del (NM_001408404.1, NM_001408472.1, NM_001407990.1 and 17 more transcripts); c.788-69_788-66del (NM_001407969.1, NM_001407968.1); c.578-1176_578-1173del (NM_001408492.1, NM_001408513.1, NM_001408489.1 and 9 more transcripts); c.644-1176_644-1173del (NM_001408468.1, NM_001408465.1, NM_001408463.1 and 3 more transcripts); c.524-1176_524-1173del (NM_001408501.1, NM_001408500.1, NM_001408497.1 and 3 more transcripts); and 43 more; short protein forms I1061fs, I1108fs, I1037fs, I1040fs, I1041fs, I1066fs, I1067fs, I1081fs.
Identifiers: ClinVar variation 54837 (VCV000054837.13), dbSNP rs80357763, ClinGen allele CA002140.